The following is an entry in ClinVar:

NM_017612.5(ZCCHC8):c.869T>C (p.Val290Ala)

Gene: ZCCHC8 (zinc finger CCHC-type containing 8; minus strand). Cytogenetic location: 12q24.31.
Variant type: single nucleotide variant.
Coding change: c.869T>C on transcript NM_017612.5 (MANE Select); coding-DNA position 869, T replaced by C.
Protein change: p.Val290Ala; replaces valine 290 with alanine.
Molecular consequence: missense variant.
Genome position (GRCh38, 1-based): chr12:122,481,951, A>G on the plus strand (T>C on the coding strand, the complement: ZCCHC8 is on the minus strand). VCF-style: chr12-122481951-A-G. GRCh37 (hg19) VCF-style: chr12-122966498-A-G.
Other names: c.638T>C, p.Val213Ala (NM_001350935.2); c.572T>C, p.Val191Ala (NM_001350936.2); c.155T>C, p.Val52Ala (NM_001350937.2, NM_001350938.2); short protein forms V290A, V52A, V191A, V213A.
Identifiers: ClinVar variation 1946883 (VCV001946883.5), dbSNP rs1957543323, ClinGen allele CA387052856.

ClinVar aggregate classification (germline): Uncertain significance (1 of 4 stars; one submission).

Allele frequency attached by ClinVar (database versions not stated): gnomAD exomes below 0.00001.

Submission:

Labcorp Genetics (formerly Invitae), Labcorp
Classification: Uncertain significance. Last evaluated: 2023-11-15. Review status: criteria provided, single submitter. Criteria: Invitae Variant Classification Sherloc (09022015). Collection method: clinical testing. Allele origin: germline.
Comment: This sequence change replaces valine, which is neutral and non-polar, with alanine, which is neutral and non-polar, at codon 290 of the ZCCHC8 protein (p.Val290Ala). This variant is not present in population databases (gnomAD no frequency). This variant has not been reported in the literature in individuals affected with ZCCHC8-related conditions. ClinVar contains an entry for this variant (Variation ID: 1946883). Advanced modeling of protein sequence and biophysical properties (such as structural, functional, and spatial information, amino acid conservation, physicochemical variation, residue mobility, and thermodynamic stability) performed at Invitae indicates that this missense variant is not expected to disrupt ZCCHC8 protein function with a negative predictive value of 80%. In summary, the available evidence is currently insufficient to determine the role of this variant in disease. Therefore, it has been classified as a Variant of Uncertain Significance.